The following is an entry in ClinVar:

NM_001267550.2(TTN):c.31332del (p.Val10445fs)

Gene: TTN (titin; minus strand). Cytogenetic location: 2q31.2.
Variant type: Deletion.
Coding change: c.31332del on transcript NM_001267550.2 (MANE Select); coding-DNA position 31332, one base deleted (A; older notation c.31332delA).
Protein change: p.Val10445fs; shifts the reading frame from valine 10445.
Molecular consequence: frameshift variant. On other transcripts: intron variant (3).
Genome position (GRCh38, 1-based): chr2:178,694,845, T deleted on the plus strand (A on the coding strand, the reverse complement: TTN is on the minus strand); the first of 5 consecutive T bases (chr2:178,694,845-178,694,849); deleting any one gives the same sequence. VCF-style (leftmost placement, unchanged base first): chr2-178694844-CT-C. GRCh37 (hg19) VCF-style: chr2-179559571-CT-C.
Other names: c.30381del, p.Val10128fs (NM_001256850.1); c.27600del, p.Val9201fs (NM_133378.4); c.13282+43237del (NM_003319.4); c.13858+43237del (NM_133437.4); c.13657+43237del (NM_133432.3); short protein forms V10128fs, V10445fs, V9201fs.
Identifiers: ClinVar variation 4822795 (VCV004822795.4).

ClinVar aggregate classification (germline): Uncertain significance (1 of 4 stars; one submission).

Submission:

CeGaT Center for Human Genetics Tuebingen
Classification: Uncertain significance. Last evaluated: 2026-01-01. Review status: criteria provided, single submitter. Criteria: CeGaT Center For Human Genetics Tuebingen Variant Classification Criteria Version 2. Collection method: clinical testing. Allele origin: germline. Affected: yes. Observed: 1 variant allele.
Comment: TTN: PM2, PVS1:Moderate